The following is an entry in ClinVar:

NM_005908.4(MANBA):c.1838G>T (p.Arg613Leu)

Gene: MANBA (mannosidase beta; minus strand). Cytogenetic location: 4q24.
Variant type: single nucleotide variant.
Coding change: c.1838G>T on transcript NM_005908.4 (MANE Select); coding-DNA position 1838, G replaced by T.
Protein change: p.Arg613Leu; replaces arginine 613 with leucine.
Molecular consequence: missense variant.
Genome position (GRCh38, 1-based): chr4:102,650,568, C>A on the plus strand (G>T on the coding strand, the complement: MANBA is on the minus strand). VCF-style: chr4-102650568-C-A. GRCh37 (hg19) VCF-style: chr4-103571725-C-A.
Other names: c.1838G>T (NM_005908.3); short protein forms R613L.
Identifiers: ClinVar variation 2197738 (VCV002197738.3), dbSNP rs377540450, ClinGen allele CA3026788.

ClinVar aggregate classification (germline): Uncertain significance. Review status: criteria provided, multiple submitters, no conflicts (2 of 4 stars). 3 submissions from 3 submitters: Uncertain significance (3). Last evaluated 2026-02-07.

Conditions:
Beta-D-mannosidosis (MANSB). Also called: MANNOSIDOSIS, BETA A, LYSOSOMAL; BETA-MANNOSIDASE DEFICIENCY; LYSOSOMAL BETA-MANNOSIDASE DEFICIENCY; Beta-Mannosidosis. Identifiers: Orphanet 118, MedGen C4048196, MONDO:0009562, OMIM 248510.
MANBA-related disorder. Also called: MANBA-related condition.

Allele frequency attached by ClinVar (database versions not stated): ESP Exome Variant Server 0.00008; 1000 Genomes Project 0.00040; 1000 Genomes Project 30x 0.00047.
gnomAD v4.1: 95 of 1,613,322 alleles (0.0059%); highest among the groups gnomAD compares: South Asian, 0.043%; no homozygotes.

Submissions (3):

GeneDx
Classification: Uncertain significance. Last evaluated: 2026-02-07. Review status: criteria provided, single submitter. Criteria: GeneDx Variant Classification Process June 2021. Collection method: clinical testing. Allele origin: germline.
Comment: In silico analysis supports that this missense variant has a deleterious effect on protein structure/function; Has not been previously published as pathogenic or benign to our knowledge

PreventionGenetics, part of Exact Sciences
Classification: Uncertain significance for MANBA-related condition. Last evaluated: 2023-04-13. Review status: criteria provided, single submitter. Criteria: ACMG Guidelines, 2015. Collection method: clinical testing. Allele origin: germline.
Comment: The MANBA c.1838G>T variant is predicted to result in the amino acid substitution p.Arg613Leu. To our knowledge, this variant has not been reported in the literature. This variant is reported in 0.039% of alleles in individuals of South Asian descent in gnomAD. At this time, the clinical significance of this variant is uncertain due to the absence of conclusive functional and genetic evidence.

Labcorp Genetics (formerly Invitae), Labcorp
Classification: Uncertain significance for Beta-D-mannosidosis. Last evaluated: 2022-05-30. Review status: criteria provided, single submitter. Criteria: Invitae Variant Classification Sherloc (09022015). Collection method: clinical testing. Allele origin: germline.
Comment: This sequence change replaces arginine, which is basic and polar, with leucine, which is neutral and non-polar, at codon 613 of the MANBA protein (p.Arg613Leu). This variant is present in population databases (rs377540450, gnomAD 0.04%). This variant has not been reported in the literature in individuals affected with MANBA-related conditions. Algorithms developed to predict the effect of missense changes on protein structure and function (SIFT, PolyPhen-2, Align-GVGD) all suggest that this variant is likely to be tolerated. In summary, the available evidence is currently insufficient to determine the role of this variant in disease. Therefore, it has been classified as a Variant of Uncertain Significance.